The following is an entry in ClinVar:

NM_017654.4(SAMD9):c.332A>T (p.Lys111Met)

Gene: SAMD9 (sterile alpha motif domain containing 9; minus strand). Cytogenetic location: 7q21.2.
Variant type: single nucleotide variant.
Coding change: c.332A>T on transcript NM_017654.4 (MANE Select); coding-DNA position 332, A replaced by T.
Protein change: p.Lys111Met; replaces lysine 111 with methionine.
Molecular consequence: missense variant.
Genome position (GRCh38, 1-based): chr7:93,105,766, T>A on the plus strand (A>T on the coding strand, the complement: SAMD9 is on the minus strand). VCF-style: chr7-93105766-T-A. GRCh37 (hg19) VCF-style: chr7-92735079-T-A.
Other names: c.332A>T, p.Lys111Met (NM_001193307.2); short protein forms K111M.
Identifiers: ClinVar variation 4629885 (VCV004629885.1).

ClinVar aggregate classification (germline): Uncertain significance (1 of 4 stars; one submission).

Conditions:
Inborn genetic diseases. Identifiers: MedGen C0950123, MeSH D030342.

Submission:

Ambry Genetics
Classification: Uncertain significance for Inborn genetic diseases. Last evaluated: 2025-10-21. Review status: criteria provided, single submitter. Criteria: Ambry Variant Classification Scheme 2023. Collection method: clinical testing. Allele origin: germline.
Comment: The p.K111M variant (also known as c.332A>T), located in coding exon 1 of the SAMD9 gene, results from an A to T substitution at nucleotide position 332. The lysine at codon 111 is replaced by methionine, an amino acid with similar properties. This amino acid position is conserved. In addition, this alteration is predicted to be tolerated by in silico analysis. Based on the available evidence, the clinical significance of this variant remains unclear.